The following is an entry in ClinVar:

NM_003998.4(NFKB1):c.2890C>T (p.Pro964Ser)

Gene: NFKB1 (nuclear factor kappa B subunit 1; plus strand). Cytogenetic location: 4q24.
Variant type: single nucleotide variant.
Coding change: c.2890C>T on transcript NM_003998.4 (MANE Select); coding-DNA position 2890, C replaced by T.
Protein change: p.Pro964Ser; replaces proline 964 with serine.
Molecular consequence: missense variant.
Genome position (GRCh38, 1-based): chr4:102,616,574, C>T. VCF-style: chr4-102616574-C-T. GRCh37 (hg19) VCF-style: chr4-103537731-C-T.
Other names: c.2887C>T, p.Pro963Ser (NM_001165412.2, NM_001319226.2, NM_001382627.1); c.2890C>T, p.Pro964Ser (NM_001382625.1, NM_001382626.1); c.2848C>T, p.Pro950Ser (NM_001382628.1); short protein forms P950S, P963S, P964S.
Identifiers: ClinVar variation 1219100 (VCV001219100.6), dbSNP rs146862629, ClinGen allele CA3026555.

ClinVar aggregate classification (germline): Uncertain significance. Review status: criteria provided, multiple submitters, no conflicts (2 of 4 stars). 3 submissions from 3 submitters: Uncertain significance (3). Last evaluated 2025-06-10.

Conditions:
Inborn genetic diseases. Identifiers: MedGen C0950123, MeSH D030342.

Allele frequency attached by ClinVar (database versions not stated): gnomAD exomes 0.00003 and 0.00007; TOPMed 0.00003; ExAC 0.00004; ESP Exome Variant Server 0.00015.
gnomAD v4.1: 109 of 1,613,922 alleles (0.0068%); highest among the groups gnomAD compares: Non-Finnish European, 0.0091%; no homozygotes.

Submissions (3):

Ambry Genetics
Classification: Uncertain significance for Inborn genetic diseases. Last evaluated: 2025-06-10. Review status: criteria provided, single submitter. Criteria: Ambry Variant Classification Scheme 2023. Collection method: clinical testing. Allele origin: germline.

Labcorp Genetics (formerly Invitae), Labcorp
Classification: Uncertain significance. Last evaluated: 2024-08-06. Review status: criteria provided, single submitter. Criteria: Invitae Variant Classification Sherloc (09022015). Collection method: clinical testing. Allele origin: germline.
Comment: This sequence change replaces proline, which is neutral and non-polar, with serine, which is neutral and polar, at codon 964 of the NFKB1 protein (p.Pro964Ser). This variant is present in population databases (rs146862629, gnomAD 0.007%). This variant has not been reported in the literature in individuals affected with NFKB1-related conditions. ClinVar contains an entry for this variant (Variation ID: 1219100). An algorithm developed to predict the effect of missense changes on protein structure and function outputs the following: PolyPhen-2: "Benign". The serine amino acid residue is found in multiple mammalian species, which suggests that this missense change does not adversely affect protein function. In summary, the available evidence is currently insufficient to determine the role of this variant in disease. Therefore, it has been classified as a Variant of Uncertain Significance.

GeneDx
Classification: Uncertain significance. Last evaluated: 2020-07-31. Review status: criteria provided, single submitter. Criteria: GeneDx Variant Classification Process June 2021. Collection method: clinical testing. Allele origin: germline. Affected: yes.
Comment: In silico analysis, which includes protein predictors and evolutionary conservation, supports that this variant does not alter protein structure/function; Has not been previously published as pathogenic or benign to our knowledge